The following is an entry in ClinVar:

NM_145331.3(MAP3K7):c.1759C>T (p.Gln587Ter)

Gene: MAP3K7 (mitogen-activated protein kinase kinase kinase 7; minus strand). Cytogenetic location: 6q15.
Variant type: single nucleotide variant.
Coding change: c.1759C>T on transcript NM_145331.3 (MANE Select); coding-DNA position 1759, C replaced by T.
Protein change: p.Gln587Ter; replaces glutamine 587 with a stop codon.
Molecular consequence: nonsense. On other transcripts: 3 prime UTR variant (2).
Genome position (GRCh38, 1-based): chr6:90,516,563, G>A on the plus strand (C>T on the coding strand, the complement: MAP3K7 is on the minus strand). VCF-style: chr6-90516563-G-A. GRCh37 (hg19) VCF-style: chr6-91226282-G-A.
Other names: c.1678C>T, p.Gln560Ter (NM_003188.4); c.*86C>T (NM_145332.3, NM_145333.3); short protein forms Q560*, Q587*.
Identifiers: ClinVar variation 3602393 (VCV003602393.1).

ClinVar aggregate classification (germline): Uncertain significance (1 of 4 stars; one submission).

Submission:

GeneDx
Classification: Uncertain significance. Last evaluated: 2024-08-01. Review status: criteria provided, single submitter. Criteria: GeneDx Variant Classification Process June 2021. Collection method: clinical testing. Allele origin: germline. Affected: yes.
Comment: Not observed at significant frequency in large population cohorts (gnomAD); Nonsense variant predicted to result in protein truncation in a gene or region of a gene for which loss of function is not a well-established mechanism of disease; Has not been previously published as pathogenic or benign to our knowledge